The following is an entry in ClinVar:

NM_000091.5(COL4A3):c.2020+1G>T

Genes: COL4A3 (collagen type IV alpha 3 chain; plus strand), MFF-DT (MFF divergent transcript; minus strand). Cytogenetic location: 2q36.3.
Variant type: single nucleotide variant.
Coding change: c.2020+1G>T on transcript NM_000091.5 (MANE Select); the canonical splice donor site of the intron after coding-DNA position 2020, G replaced by T.
Molecular consequence: splice donor variant.
Genome position (GRCh38, 1-based): chr2:227,276,478, G>T. VCF-style: chr2-227276478-G-T. GRCh37 (hg19) VCF-style: chr2-228141194-G-T.
Other names: c.2020+1G>T (NM_000091.4).
Identifiers: ClinVar variation 2018356 (VCV002018356.7), dbSNP rs2469724141, ClinGen allele CA350846526.

ClinVar aggregate classification (germline): Likely pathogenic. Review status: criteria provided, multiple submitters, no conflicts (2 of 4 stars). 3 submissions from 3 submitters: Likely pathogenic (3). Last evaluated 2025-05-22.

Conditions:
Alport syndrome. Also called: Hemorrhagic familial nephritis; Hemorrhagic hereditary nephritis; Congenital hereditary hematuria. Identifiers: Orphanet 63, MedGen C1567741, MONDO:0018965.

gnomAD v4.1: 1 of 1,612,114 alleles (0.000062%); highest among the groups gnomAD compares: Non-Finnish European, 0.000085%; no homozygotes.

Submissions (3):

Centre for Clinical Genetics and Genomic Diagnostics, Zealand University Hospital
Classification: Likely pathogenic. Last evaluated: 2025-05-22. Review status: criteria provided, single submitter. Criteria: ACMG Guidelines, 2015. Collection method: clinical testing. Allele origin: germline. Affected: yes.

Natera, Inc.
Classification: Likely pathogenic for Alport syndrome. Last evaluated: 2025-05-08. Review status: criteria provided, single submitter. Criteria: Natera Variant Classification Schema (03/2026). Collection method: clinical testing. Allele origin: germline.
Comment: The c.2020+1G>T variant in COL4A3 is a canonical splice donor site variant predicted to affect pre-mRNA splicing, which may result in an abnormal transcript and altered protein product. This variant is expected to result in nonsense mediated decay, truncation, or a dysfunctional protein product. This variant is rare in the general population with a frequency below the threshold expected for the associated phenotype(s). Given the available evidence, this variant is classified as Likely Pathogenic.

Labcorp Genetics (formerly Invitae), Labcorp
Classification: Likely pathogenic. Last evaluated: 2024-01-25. Review status: criteria provided, single submitter. Criteria: Invitae Variant Classification Sherloc (09022015). Collection method: clinical testing. Allele origin: germline.
Comment: This sequence change affects a donor splice site in intron 27 of the COL4A3 gene. It is expected to disrupt RNA splicing. Variants that disrupt the donor or acceptor splice site typically lead to a loss of protein function (PMID: 16199547), and loss-of-function variants in COL4A3 are known to be pathogenic (PMID: 8956999, 24854265, 26809805, 27281700). This variant is not present in population databases (gnomAD no frequency). This variant has not been reported in the literature in individuals affected with COL4A3-related conditions. ClinVar contains an entry for this variant (Variation ID: 2018356). Algorithms developed to predict the effect of sequence changes on RNA splicing suggest that this variant may disrupt the consensus splice site. In summary, the currently available evidence indicates that the variant is pathogenic, but additional data are needed to prove that conclusively. Therefore, this variant has been classified as Likely Pathogenic.

Literature cited by the submitters: PubMed 16199547 (cited by Labcorp Genetics (formerly Invitae), Labcorp); PubMed 8956999 (cited by Labcorp Genetics (formerly Invitae), Labcorp); PubMed 24854265 (cited by Labcorp Genetics (formerly Invitae), Labcorp); PubMed 26809805 (cited by Labcorp Genetics (formerly Invitae), Labcorp); PubMed 27281700 (cited by Labcorp Genetics (formerly Invitae), Labcorp).